The following is an entry in ClinVar:

ClinVar aggregate classification (germline): Uncertain significance. Review status: criteria provided, multiple submitters, no conflicts (2 of 4 stars). 2 submissions from 2 submitters: Uncertain significance (2). Last evaluated 2025-09-23.

Allele frequency attached by ClinVar (database versions not stated): ExAC 0.00002; gnomAD 0.00001; gnomAD exomes 0.00001.
gnomAD v4.1: 9 of 1,613,760 alleles (0.00056%); highest among the groups gnomAD compares: Middle Eastern, 0.016%; no homozygotes.

Submissions (2):

Labcorp Genetics (formerly Invitae), Labcorp
Classification: Uncertain significance. Last evaluated: 2025-09-23. Review status: criteria provided, single submitter. Criteria: Invitae Variant Classification Sherloc (09022015). Collection method: clinical testing. Allele origin: germline.
Comment: This sequence change replaces alanine, which is neutral and non-polar, with threonine, which is neutral and polar, at codon 987 of the KANK4 protein (p.Ala987Thr). This variant is present in population databases (rs778192341, gnomAD 0.003%). This variant has not been reported in the literature in individuals affected with KANK4-related conditions. ClinVar contains an entry for this variant (Variation ID: 2960654). An algorithm developed to predict the effect of missense changes on protein structure and function (PolyPhen-2) suggests that this variant is likely to be tolerated. In summary, the available evidence is currently insufficient to determine the role of this variant in disease. Therefore, it has been classified as a Variant of Uncertain Significance.

Ambry Genetics
Classification: Uncertain significance. Last evaluated: 2025-04-11. Review status: criteria provided, single submitter. Criteria: Ambry Variant Classification Scheme 2023. Collection method: clinical testing. Allele origin: germline.

NM_181712.5(KANK4):c.2959G>A (p.Ala987Thr)

Gene: KANK4 (KN motif and ankyrin repeat domains 4; minus strand). Cytogenetic location: 1p31.3.
Variant type: single nucleotide variant.
Coding change: c.2959G>A on transcript NM_181712.5 (MANE Select); coding-DNA position 2959, G replaced by A.
Protein change: p.Ala987Thr; replaces alanine 987 with threonine.
Molecular consequence: missense variant.
Genome position (GRCh38, 1-based): chr1:62,238,306, C>T on the plus strand (G>A on the coding strand, the complement: KANK4 is on the minus strand). VCF-style: chr1-62238306-C-T. GRCh37 (hg19) VCF-style: chr1-62703978-C-T.
Other names: c.1075G>A, p.Ala359Thr (NM_001320269.2); c.2959G>A (NM_181712.4); short protein forms A987T, A359T.
Identifiers: ClinVar variation 2960654 (VCV002960654.4), dbSNP rs778192341, ClinGen allele CA883934.
Genomic context (GRCh38, chr1:62,238,306, plus strand): 5'-TTGTTCCCCACGGCCAGTTCTTCTGCAGCCCCTACAGCCCCAGGGACCTGCCCTGCTCCG[C>T]GTGGGCTCTCAGAAGCCCAGCAATTTCCATATGGGTGGGTGACTTCAGAGCGATGGACAA-3'
Protein context (NP_859063.3, residues 977-995): MEIAGLLRAH[Ala987Thr]EQGRSLGL